The following is an entry in ClinVar:

NM_015047.3(EMC1):c.2186G>A (p.Arg729His)

Genes: EMC1-AS1 (EMC1 antisense RNA 1; plus strand), EMC1 (ER membrane protein complex subunit 1; minus strand). Cytogenetic location: 1p36.13.
Variant type: single nucleotide variant.
Coding change: c.2186G>A on transcript NM_015047.3 (MANE Select); coding-DNA position 2186, G replaced by A.
Protein change: p.Arg729His; replaces arginine 729 with histidine.
Molecular consequence: missense variant.
Genome position (GRCh38, 1-based): chr1:19,227,329, C>T on the plus strand (G>A on the coding strand, the complement: EMC1 is on the minus strand). VCF-style: chr1-19227329-C-T. GRCh37 (hg19) VCF-style: chr1-19553823-C-T.
Other names: c.2183G>A, p.Arg728His (NM_001271427.2, NM_001271428.2); c.2120G>A, p.Arg707His (NM_001271429.2); c.2195G>A, p.Arg732His (NM_001375820.1); c.2192G>A, p.Arg731His (NM_001375821.1); short protein forms R729H, R732H, R707H, R728H, R731H.
Identifiers: ClinVar variation 2135221 (VCV002135221.5), dbSNP rs1226576903, ClinGen allele CA338756373.

ClinVar aggregate classification (germline): Uncertain significance. Review status: criteria provided, multiple submitters, no conflicts (2 of 4 stars). 2 submissions from 2 submitters: Uncertain significance (2). Last evaluated 2024-05-16.

Allele frequency attached by ClinVar (database versions not stated): TOPMed below 0.00001; gnomAD exomes 0.00001.
gnomAD v4.1: 18 of 1,614,128 alleles (0.0011%); highest among the groups gnomAD compares: Non-Finnish European, 0.0015%; no homozygotes.

Submissions (2):

Blueprint Genetics
Classification: Uncertain significance. Last evaluated: 2024-05-16. Review status: criteria provided, single submitter. Criteria: ACMG Guidelines, 2015. Collection method: clinical testing. Allele origin: germline.

Labcorp Genetics (formerly Invitae), Labcorp
Classification: Uncertain significance. Last evaluated: 2024-03-28. Review status: criteria provided, single submitter. Criteria: Invitae Variant Classification Sherloc (09022015). Collection method: clinical testing. Allele origin: germline.
Comment: This sequence change replaces arginine, which is basic and polar, with histidine, which is basic and polar, at codon 729 of the EMC1 protein (p.Arg729His). This variant is present in population databases (no rsID available, gnomAD 0.0009%). This variant has not been reported in the literature in individuals affected with EMC1-related conditions. ClinVar contains an entry for this variant (Variation ID: 2135221). Advanced modeling of protein sequence and biophysical properties (such as structural, functional, and spatial information, amino acid conservation, physicochemical variation, residue mobility, and thermodynamic stability) performed at Invitae indicates that this missense variant is expected to disrupt EMC1 protein function with a positive predictive value of 80%. In summary, the available evidence is currently insufficient to determine the role of this variant in disease. Therefore, it has been classified as a Variant of Uncertain Significance.